The following is an entry in ClinVar:

ClinVar aggregate classification (germline): Benign/Likely benign. Review status: criteria provided, multiple submitters, no conflicts (2 of 4 stars). 4 submissions from 4 submitters: Benign (1); Likely benign (3). Last evaluated 2025-06-06.

Conditions:
Peutz-Jeghers syndrome (PJS). Also called: POLYPOSIS, HAMARTOMATOUS INTESTINAL; POLYPS-AND-SPOTS SYNDROME; Peutz-Jeghers polyposis; Periorificial lentiginosis syndrome. Identifiers: Orphanet 2869, MedGen C0031269, MeSH D010580, MONDO:0008280, OMIM 175200.
Hereditary cancer-predisposing syndrome. Also called: Neoplastic Syndromes, Hereditary; Tumor predisposition; Hereditary neoplastic syndrome; Hereditary Cancer Syndrome. Identifiers: Orphanet 140162, MedGen C0027672, MeSH D009386, MONDO:0015356.

Submissions (4):

Labcorp Genetics (formerly Invitae), Labcorp
Classification: Likely benign for Peutz-Jeghers syndrome. Last evaluated: 2025-06-06. Review status: criteria provided, single submitter. Criteria: Invitae Variant Classification Sherloc (09022015). Collection method: clinical testing. Allele origin: germline.

Myriad Genetics, Inc.
Classification: Benign for Peutz-Jeghers syndrome. Last evaluated: 2025-03-27. Review status: criteria provided, single submitter. Criteria: Myriad Autosomal Dominant, Autosomal Recessive and X-Linked Classification Criteria (2023). Collection method: clinical testing. Allele origin: unknown.
Comment: This variant is considered benign. This variant is a silent/synonymous amino acid change and it is not expected to impact splicing.

Ambry Genetics
Classification: Likely benign for Hereditary cancer-predisposing syndrome. Last evaluated: 2024-03-24. Review status: criteria provided, single submitter. Criteria: Ambry Variant Classification Scheme 2023. Collection method: clinical testing. Allele origin: germline.

All of Us Research Program, National Institutes of Health
Classification: Likely benign for Peutz-Jeghers syndrome. Last evaluated: 2023-12-13. Review status: criteria provided, single submitter. Criteria: ACMG Guidelines, 2015. Collection method: clinical testing. Allele origin: germline. Inheritance: Autosomal dominant inheritance. Observed: 1 variant allele, 1 heterozygote.
Comment: This study involves interpretation of variants in research participants for the purpose of population health screening. Participant phenotype was not available at the time of variant classification. Additional details can be found in publication PMID: 35346344, PMCID: PMC8962531

NM_000455.5(STK11):c.702C>T (p.Phe234=)

Gene: STK11 (serine/threonine kinase 11; plus strand). Cytogenetic location: 19p13.3.
Variant type: single nucleotide variant.
Coding change: c.702C>T on transcript NM_000455.5 (MANE Select); coding-DNA position 702, C replaced by T.
Protein change: p.Phe234=; no amino-acid change (phenylalanine 234 retained).
Molecular consequence: synonymous variant.
Genome position (GRCh38, 1-based): chr19:1,220,685, C>T. VCF-style: chr19-1220685-C-T. GRCh37 (hg19) VCF-style: chr19-1220684-C-T.
Identifiers: ClinVar variation 527854 (VCV000527854.14), dbSNP rs1555738452, ClinGen allele CA504892282.